The following is an entry in ClinVar:

NM_015092.5(SMG1):c.39C>T (p.Gly13=)

Genes: SMG1 (SMG1 nonsense mediated mRNA decay associated PI3K related kinase; minus strand), SMG1-DT (SMG1 divergent transcript; plus strand), LOC130058585 (ATAC-STARR-seq lymphoblastoid silent region 7237; plus strand). Cytogenetic location: 16p12.3.
Variant type: single nucleotide variant.
Coding change: c.39C>T on transcript NM_015092.5 (MANE Select); coding-DNA position 39, C replaced by T.
Protein change: p.Gly13=; no amino-acid change (glycine 13 retained).
Molecular consequence: synonymous variant.
Genome position (GRCh38, 1-based): chr16:18,926,003, G>A on the plus strand (C>T on the coding strand, the complement: SMG1 is on the minus strand). VCF-style: chr16-18926003-G-A. GRCh37 (hg19) VCF-style: chr16-18937325-G-A.
Identifiers: ClinVar variation 2646272 (VCV002646272.24), dbSNP rs375781376, ClinGen allele CA7932045.

ClinVar aggregate classification (germline): Likely benign (1 of 4 stars; one submission).

Allele frequency attached by ClinVar (database versions not stated): gnomAD exomes 0.00168; 1000 Genomes Project 0.00180; gnomAD 0.00129; ESP Exome Variant Server 0.00139; TOPMed 0.00163; 1000 Genomes Project 30x 0.00203.
gnomAD v4.1: 2,611 of 1,580,318 alleles (0.17%); highest among the groups gnomAD compares: Non-Finnish European, 0.19%; 1 homozygote.

Submission:

CeGaT Center for Human Genetics Tuebingen
Classification: Likely benign. Last evaluated: 2022-04-01. Review status: criteria provided, single submitter. Criteria: CeGaT Center For Human Genetics Tuebingen Variant Classification Criteria Version 2. Collection method: clinical testing. Allele origin: germline. Affected: yes. Observed: 1 variant allele.
Comment: SMG1: BP4